The following is an entry in ClinVar:

ClinVar aggregate classification (germline): Uncertain significance (1 of 4 stars; one submission).

Submission:

Dasa
Classification: Uncertain significance. Last evaluated: 2026-02-23. Review status: criteria provided, single submitter. Criteria: DASA Assertion Criteria. Collection method: clinical testing. Allele origin: germline.
Comment: NM_002240.5(KCNJ6):c.265T>C (p.Trp89Arg) is a missense variant that results in the substitution of tryptophan with arginine. This variant is absent from population databases. Computational prediction algorithms are consistent with a deleterious effect. The currently available literature and clinical evidence are not sufficient to establish a definitive association between this variant and the reported condition. Therefore, this variant is classified as a variant of uncertain significance.

NM_002240.5(KCNJ6):c.265T>C (p.Trp89Arg)

Genes: KCNJ6 (potassium inwardly rectifying channel subfamily J member 6; minus strand), KCNJ6-AS1 (KCNJ6 antisense RNA 1; plus strand). Cytogenetic location: 21q22.13.
Variant type: single nucleotide variant.
Coding change: c.265T>C on transcript NM_002240.5 (MANE Select); coding-DNA position 265, T replaced by C.
Protein change: p.Trp89Arg; replaces tryptophan 89 with arginine.
Molecular consequence: missense variant. On other transcripts: non-coding transcript variant (1).
Genome position (GRCh38, 1-based): chr21:37,714,892, A>G on the plus strand (T>C on the coding strand, the complement: KCNJ6 is on the minus strand). VCF-style: chr21-37714892-A-G. GRCh37 (hg19) VCF-style: chr21-39087195-A-G.
Other names: short protein forms W89R.
Identifiers: ClinVar variation 4886196 (VCV004886196.2).
Genomic context (GRCh38, chr21:37,714,892, plus strand): 5'-TTCCAAAAAAGAGCCAGGTCACTGTGTAAACCATGACAAAAATCAATAGGTTGAATCTCC[A>G]CTTCAGGTCCACTAATGTGGTGAAGATATCGGTCAGGTAGCGATAGGTCTCCCTCACGTT-3'
Protein context (NP_002231.1, residues 79-99): DIFTTLVDLK[Trp89Arg]RFNLLIFVMV